The following is an entry in ClinVar:

ClinVar aggregate classification (germline): Uncertain significance (1 of 4 stars; one submission).

Conditions:
Hydatidiform mole, recurrent, 3. Identifiers: MedGen C5193093, MONDO:0032746, OMIM 618431.

gnomAD v4.1: 11 of 1,613,810 alleles (0.00068%); highest among the groups gnomAD compares: Middle Eastern, 0.016%; no homozygotes.

Submission:

Juno Genomics, Hangzhou Juno Genomics, Inc
Classification: Uncertain significance for Hydatidiform mole, recurrent, 3. Review status: criteria provided, single submitter. Criteria: ACMG Guidelines, 2015. Collection method: clinical testing. Allele origin: germline. Affected: yes.
Comment: Null variant in a gene where loss of function (LOF) is a known mechanism of disease.;Absent from controls (or at extremely low frequency if recessive) in Genome Aggregation Database, Exome Sequencing Project, 1000 Genomes Project, or Exome Aggregation Consortium.

NM_152513.4(MEI1):c.2647C>T (p.Arg883Ter)

Gene: MEI1 (meiotic double-stranded break formation protein 1; plus strand). Cytogenetic location: 22q13.2.
Variant type: single nucleotide variant.
Coding change: c.2647C>T on transcript NM_152513.4 (MANE Select); coding-DNA position 2647, C replaced by T.
Protein change: p.Arg883Ter; replaces arginine 883 with a stop codon.
Molecular consequence: nonsense.
Genome position (GRCh38, 1-based): chr22:41,776,204, C>T. VCF-style: chr22-41776204-C-T. GRCh37 (hg19) VCF-style: chr22-42172208-C-T.
Other names: short protein forms R883*.
Identifiers: ClinVar variation 3383129 (VCV003383129.2).